The following is an entry in ClinVar:

ClinVar aggregate classification (germline): Pathogenic (1 of 4 stars; one submission).

Conditions:
Multiple congenital anomalies-hypotonia-seizures syndrome 1 (MCAHS1). Also called: PIGN-CDG; Congenital disorder of glycosylation due to PIGN deficiency; GLYCOSYLPHOSPHATIDYLINOSITOL BIOSYNTHESIS DEFECT 3. Identifiers: Orphanet 280633, MedGen C3279775, MONDO:0013563, OMIM 614080.

Submission:

Labcorp Genetics (formerly Invitae), Labcorp
Classification: Pathogenic for Multiple congenital anomalies-hypotonia-seizures syndrome 1. Last evaluated: 2023-10-18. Review status: criteria provided, single submitter. Criteria: Invitae Variant Classification Sherloc (09022015). Collection method: clinical testing. Allele origin: germline.
Comment: This sequence change creates a premature translational stop signal (p.Lys378*) in the PIGN gene. It is expected to result in an absent or disrupted protein product. Loss-of-function variants in PIGN are known to be pathogenic (PMID: 24253414, 27038415). This variant is not present in population databases (gnomAD no frequency). This variant has not been reported in the literature in individuals affected with PIGN-related conditions. Algorithms developed to predict the effect of sequence changes on RNA splicing suggest that this variant may disrupt the consensus splice site. For these reasons, this variant has been classified as Pathogenic.

Literature cited by the submitters: PubMed 24253414; PubMed 27038415.

NM_176787.5(PIGN):c.1132A>T (p.Lys378Ter)

Gene: PIGN (phosphatidylinositol glycan anchor biosynthesis class N; minus strand). Cytogenetic location: 18q21.33.
Variant type: single nucleotide variant.
Coding change: c.1132A>T on transcript NM_176787.5 (MANE Select); coding-DNA position 1132, A replaced by T.
Protein change: p.Lys378Ter; replaces lysine 378 with a stop codon.
Molecular consequence: nonsense.
Genome position (GRCh38, 1-based): chr18:62,138,283, T>A on the plus strand (A>T on the coding strand, the complement: PIGN is on the minus strand). VCF-style: chr18-62138283-T-A. GRCh37 (hg19) VCF-style: chr18-59805516-T-A.
Other names: c.1132A>T, p.Lys378Ter (NM_012327.6); short protein forms K378*.
Identifiers: ClinVar variation 2767775 (VCV002767775.3), dbSNP rs2513702567, ClinGen allele CA402607640.